The following is an entry in ClinVar:

NM_000170.3(GLDC):c.1067C>G (p.Thr356Ser)

Gene: GLDC (glycine decarboxylase; minus strand). Cytogenetic location: 9p24.1.
Variant type: single nucleotide variant.
Coding change: c.1067C>G on transcript NM_000170.3 (MANE Select); coding-DNA position 1067, C replaced by G.
Protein change: p.Thr356Ser; replaces threonine 356 with serine.
Molecular consequence: missense variant.
Genome position (GRCh38, 1-based): chr9:6,602,197, G>C on the plus strand (C>G on the coding strand, the complement: GLDC is on the minus strand). VCF-style: chr9-6602197-G-C. GRCh37 (hg19) VCF-style: chr9-6602197-G-C.
Other names: c.1067C>G (NM_000170.2); short protein forms T356S.
Identifiers: ClinVar variation 1399856 (VCV001399856.6), dbSNP rs376612483, ClinGen allele CA4980871.

ClinVar aggregate classification (germline): Uncertain significance. Review status: criteria provided, multiple submitters, no conflicts (2 of 4 stars). 2 submissions from 2 submitters: Uncertain significance (2). Last evaluated 2026-01-24.

Conditions:
Glycine encephalopathy. Also called: Nonketotic hyperglycinemia; Non-ketotic hyperglycinemia. Identifiers: Orphanet 407, MedGen C0751748, MONDO:0011612, HP:0008288.

Allele frequency attached by ClinVar (database versions not stated): gnomAD 0.00005; ExAC 0.00002; gnomAD exomes below 0.00001; TOPMed 0.00005; ESP Exome Variant Server 0.00008.
gnomAD v4.1: 11 of 1,605,634 alleles (0.00069%); highest among the groups gnomAD compares: African/African-American, 0.015%; no homozygotes.

Submissions (2):

GeneDx
Classification: Uncertain significance. Last evaluated: 2026-01-24. Review status: criteria provided, single submitter. Criteria: GeneDx Variant Classification Process June 2021. Collection method: clinical testing. Allele origin: germline.
Comment: In silico analysis suggests that this missense variant does not alter protein structure/function; Has not been previously published as pathogenic or benign to our knowledge

Labcorp Genetics (formerly Invitae), Labcorp
Classification: Uncertain significance for Glycine encephalopathy. Last evaluated: 2022-08-05. Review status: criteria provided, single submitter. Criteria: Invitae Variant Classification Sherloc (09022015). Collection method: clinical testing. Allele origin: germline.
Comment: This sequence change replaces threonine, which is neutral and polar, with serine, which is neutral and polar, at codon 356 of the GLDC protein (p.Thr356Ser). This variant is present in population databases (rs376612483, gnomAD 0.02%). This variant has not been reported in the literature in individuals affected with GLDC-related conditions. ClinVar contains an entry for this variant (Variation ID: 1399856). Advanced modeling of protein sequence and biophysical properties (such as structural, functional, and spatial information, amino acid conservation, physicochemical variation, residue mobility, and thermodynamic stability) performed at Invitae indicates that this missense variant is not expected to disrupt GLDC protein function. In summary, the available evidence is currently insufficient to determine the role of this variant in disease. Therefore, it has been classified as a Variant of Uncertain Significance.